The following is an entry in ClinVar:

NM_000260.4(MYO7A):c.2558G>A (p.Arg853His)

Gene: MYO7A (myosin VIIA; plus strand). Cytogenetic location: 11q13.5.
Variant type: single nucleotide variant.
Coding change: c.2558G>A on transcript NM_000260.4 (MANE Select); coding-DNA position 2558, G replaced by A.
Protein change: p.Arg853His; replaces arginine 853 with histidine.
Molecular consequence: missense variant.
Genome position (GRCh38, 1-based): chr11:77,179,925, G>A. VCF-style: chr11-77179925-G-A. GRCh37 (hg19) VCF-style: chr11-76890971-G-A.
Other names: c.2558G>A, p.Arg853His (NM_001127180.2); c.2525G>A, p.Arg842His (NM_001369365.1); short protein forms R853H, R842H.
Identifiers: ClinVar variation 43186 (VCV000043186.38), dbSNP rs111033437, ClinGen allele CA132255.

ClinVar aggregate classification (germline): Likely pathogenic. Review status: reviewed by expert panel (3 of 4 stars). 15 submissions from 15 submitters: Likely pathogenic (1). 14 of the submissions do not count toward it. Last evaluated 2022-10-31.

Conditions:
MYO7A-related disorder. Also called: MYO7A-related disorders.
Inborn genetic diseases. Identifiers: MedGen C0950123, MeSH D030342.
Nonsyndromic genetic hearing loss. Also called: Nonsyndromic hearing loss and deafness; Nonsyndromic genetic deafness; Non-syndromic genetic deafness. Identifiers: Orphanet 87884, MedGen C5680182, MONDO:0019497.
Autosomal recessive nonsyndromic hearing loss 2. Also called: DEAFNESS, AUTOSOMAL RECESSIVE 2; NEUROSENSORY NONSYNDROMIC RECESSIVE DEAFNESS 2. Identifiers: Orphanet 90636, MedGen C1838701, MONDO:0010807, OMIM 600060.
Usher syndrome type 1 (USH1). Also called: RETINITIS PIGMENTOSA AND CONGENITAL DEAFNESS. Identifiers: Orphanet 231169, Orphanet 886, MedGen C1568247, MONDO:0010168, OMIM 276900.
Autosomal dominant nonsyndromic hearing loss 11. Identifiers: Orphanet 90635, MedGen C1832475, MONDO:0011032, OMIM 601317.
Usher syndrome type 1B (USH1B). Also called: Usher syndrome type IB. Identifiers: MedGen C1848638, MONDO:0700087.

Allele frequency attached by ClinVar (database versions not stated): gnomAD 0.00001; gnomAD exomes 0.00001; TOPMed 0.00001.
gnomAD v4.1: 11 of 1,531,882 alleles (0.00072%); highest among the groups gnomAD compares: East Asian, 0.0025%; no homozygotes.

Submissions 1 to 8 of 15:

ClinGen Hearing Loss Variant Curation Expert Panel
Classification: Likely pathogenic for Nonsyndromic genetic hearing loss. Last evaluated: 2022-10-31. Review status: reviewed by expert panel. Criteria: Clingen Hl Acmg Specifications Cdh23 Coch Gjb2 Kcnq4 Myo6 Myo7a Slc26a4 Tecta Ush2a V2. Collection method: curation. Allele origin: germline. Inheritance: Autosomal dominant inheritance.
Comment: The c.2558G>A variant in MYO7A is a missense variant predicted to cause substitution of arginine by histidine at amino acid 853. This variant is absent from gnomAD v2.1.1 (PM2_Supporting). The computational predictor REVEL gives a score of 0.741, which is above the threshold of 0.7, evidence that correlates with impact to MYO7A function (PP3). This variant has been reported in 3 probands/families with hearing loss (PS4_Supporting; PMIDs: 26969326, 32097363, ClinVar SCV: SCV000059742.6, LMM). The variant has been reported to segregate with nonsyndromic genetic hearing loss in 10 affected family members from 1 family (PP1_Strong; PMID: 32097363). In summary, this variant meets the criteria to be classified as likely pathogenic for autosomal dominant nonsyndromic genetic hearing loss based on the ACMG/AMP criteria applied, as specified by the ClinGen Hearing Loss VCEP: PP1_S, PS4_P, PM2_P, PP3 (Hearing Loss VCEP specifications version 2; 10/31/2022).

PreventionGenetics, part of Exact Sciences
Classification: Likely pathogenic for MYO7A-related condition. Last evaluated: 2026-06-08. Review status: criteria provided, single submitter. Criteria: ACMG Guidelines, 2015. Collection method: clinical testing. Allele origin: germline. Not counted in ClinVar's aggregate classification.
Comment: The MYO7A c.2558G>A variant is predicted to result in the amino acid substitution p.Arg853His. This variant has been reported to segregate with autosomal dominant hearing loss across three generations of a single family of 11 affected and 11 unaffected individuals; hearing loss was mild to moderate with a flat to sloping audiogram with onset between one and 33 years of age (Yamamoto et al. 2020. PubMed ID: 32097363). This variant has also been reported in multiple simplex patients with hearing loss (Table S3, Sloan-Heggen et al. 2016. PubMed ID: 26969326; Table S3, Shearer et al. 2013. PubMed ID: 23804846; Li et al. 2021. PubMed ID: 33724713; Cruz Marino et al. 2021. PubMed ID: 34387732). An alternate missense change at the same amino acid position (p.Arg853Cys) has been reported to be pathogenic for autosomal dominant nonsyndromic hearing loss (Bolz et al. 2004. PubMed ID: 15300860). This variant has not been reported in a large population database (gnomAD), indicating this variant is rare and it is interpreted as likely pathogenic for autosomal dominant nonsyndromic hearing loss by a ClinGen Hearing Loss expert panel in ClinVar (Variation ID: 43186). This variant is interpreted as likely pathogenic.

Labcorp Genetics (formerly Invitae), Labcorp
Classification: Pathogenic. Last evaluated: 2026-01-18. Review status: criteria provided, single submitter. Criteria: Invitae Variant Classification Sherloc (09022015). Collection method: clinical testing. Allele origin: germline. Not counted in ClinVar's aggregate classification.
Comment: This sequence change replaces arginine, which is basic and polar, with histidine, which is basic and polar, at codon 853 of the MYO7A protein (p.Arg853His). This variant is not present in population databases (gnomAD no frequency). This missense change has been observed in individual(s) with autosomal dominant deafness (PMID: 32097363). It has also been observed to segregate with disease in related individuals. ClinVar contains an entry for this variant (Variation ID: 43186). Invitae Evidence Modeling of protein sequence and biophysical properties (such as structural, functional, and spatial information, amino acid conservation, physicochemical variation, residue mobility, and thermodynamic stability) indicates that this missense variant is expected to disrupt MYO7A protein function with a positive predictive value of 80%. For these reasons, this variant has been classified as Pathogenic.

Variantyx, Inc.
Classification: Likely pathogenic for Autosomal dominant nonsyndromic hearing loss 11. Last evaluated: 2026-01-05. Review status: criteria provided, single submitter. Criteria: Variantyx Assertion Criteria 2022. Collection method: clinical testing. Allele origin: germline. Inheritance: Autosomal dominant inheritance. Affected: yes. Not counted in ClinVar's aggregate classification.
Comment: This is a nonsynonymous variant in the MYO7A gene (OMIM: 276903). Pathogenic variants in this gene have been associated with autosomal dominant deafness 11. This variant has been reported in at least 2 affected individuals (PMID: 26969326, 32097363) (PS4). and it has been observed to segregate with disease in at least 10 individuals from one family (PMID: 32097363) (PP1). An aternate amino acid change at this position (p.Arg853Cys) has been previously reported in similarly affected individuals, which suggests that this residue is biologically important (PMID: 15300860) (PM5) and multiple computational algorithms predict a deleterious effect for this variant (REVEL score: 0.741) (PP3). This variant has a 0.0025% maximum allele frequency in non-founder control populations (PM2). Based on the current evidence, this variant is classified as likely pathogenic for autosomal dominant deafness 11.

Natera, Inc.
Classification: Likely pathogenic for Usher syndrome type 1B. Last evaluated: 2025-10-13. Review status: criteria provided, single submitter. Criteria: Natera Variant Classification Schema (03/2026). Collection method: clinical testing. Allele origin: germline. Not counted in ClinVar's aggregate classification.
Comment: The c.2558G>A variant in MYO7A is a missense variant predicted to cause substitution of arginine to histidine at amino acid 853. This variant is rare in the general population with a frequency below the threshold expected for the associated phenotype(s). This variant has been observed in affected individual(s) with monoallelic occurrence (heterozygous/hemizygous) (PMID: 38594301, 35640668, 34387732, 36555390, 26969326). Additionally, this variant has been observed to segregate in affected family members (PMID: 35640668, 35640668). This variant has been confirmed as or assumed to be a de novo occurrence in one or more affected individuals (PMID: 34387732). A different variant at the same position has been determined to be Pathogenic or Likely Pathogenic. Computational prediction algorithms indicate this variant is likely to affect gene or protein function. Given the available evidence, this variant is classified as Likely Pathogenic.

Ambry Genetics
Classification: Pathogenic for Inborn genetic diseases. Last evaluated: 2025-06-20. Review status: criteria provided, single submitter. Criteria: Ambry Variant Classification Scheme 2023. Collection method: clinical testing. Allele origin: germline. Not counted in ClinVar's aggregate classification.
Comment: The c.2558G>A (p.R853H) alteration is located in exon 21 (coding exon 20) of the MYO7A gene. This alteration results from a G to A substitution at nucleotide position 2558, causing the arginine (R) at amino acid position 853 to be replaced by a histidine (H). for autosomal dominant MYO7A-related non-syndromic hearing loss; however, its clinical significance for autosomal recessive MYO7A-related nonsyndromic hearing loss and autosomal recessive Usher syndrome type 1 is uncertain. This variant was flagged as a low confidence call in the Genome Aggregation Database (gnomAD). This variant was reported heterozygous in individuals with features consistent with MYO7A-related non-syndromic hearing loss (AD) (Sloan-Heggen, 2016; Yamamoto, 2020; Li, 2021; Shatokhina, 2022; Perry, 2023; Watanabe, 2024). Other variant(s) at the same codon, c.2557C>T (p.R853C) and c.2558G>T (p.R853L) have been identified in individual(s) with features consistent with MYO7A-related non-syndromic hearing loss (AD) (Shatokhina, 2022; Watanabe, 2024). This amino acid position is well conserved in available vertebrate species. This alteration is predicted to be deleterious by in silico analysis. Based on the available evidence, this alteration is classified as pathogenic.

GeneDx
Classification: Pathogenic. Last evaluated: 2023-09-07. Review status: criteria provided, single submitter. Criteria: GeneDx Variant Classification Process June 2021. Collection method: clinical testing. Allele origin: germline. Affected: yes. Not counted in ClinVar's aggregate classification.
Comment: Not observed at significant frequency in large population cohorts (gnomAD); In silico analysis supports that this missense variant has a deleterious effect on protein structure/function; Classified as likely pathogenic by the ClinGen Hearing Loss Expert Panel (PMID: 30311386); This variant is associated with the following publications: (PMID: 33724713, 26969326, 35453549, 23804846, 32097363, 34387732, 30311386)

The Shared Resource Centre "Genome", Research Centre for Medical Genetics
Classification: Pathogenic for Autosomal dominant nonsyndromic hearing loss 11. Last evaluated: 2022-11-10. Review status: criteria provided, single submitter. Criteria: ACMG Guidelines, 2015. Collection method: clinical testing. Allele origin: germline. Affected: yes. Observed: 1 variant allele. Not counted in ClinVar's aggregate classification.